The following is an entry in ClinVar:

NM_017662.5(TRPM6):c.821C>T (p.Ser274Phe)

Gene: TRPM6 (transient receptor potential cation channel subfamily M member 6; minus strand). Cytogenetic location: 9q21.13.
Variant type: single nucleotide variant.
Coding change: c.821C>T on transcript NM_017662.5 (MANE Select); coding-DNA position 821, C replaced by T.
Protein change: p.Ser274Phe; replaces serine 274 with phenylalanine.
Molecular consequence: missense variant.
Genome position (GRCh38, 1-based): chr9:74,827,798, G>A on the plus strand (C>T on the coding strand, the complement: TRPM6 is on the minus strand). VCF-style: chr9-74827798-G-A. GRCh37 (hg19) VCF-style: chr9-77442714-G-A.
Other names: c.806C>T, p.Ser269Phe (NM_001177310.2, NM_001177311.2); short protein forms S269F, S274F.
Identifiers: ClinVar variation 915013 (VCV000915013.7), dbSNP rs553014740, ClinGen allele CA5085047.

ClinVar aggregate classification (germline): Conflicting classifications of pathogenicity. Review status: criteria provided, conflicting classifications (1 of 4 stars). 3 submissions from 3 submitters: Uncertain significance (2); Likely benign (1). Last evaluated 2025-08-19.

Conditions:
Intestinal hypomagnesemia 1. Also called: HYPOMAGNESEMIA, INTESTINAL, WITH SECONDARY HYPOCALCEMIA; HYPOMAGNESEMIC TETANY. Identifiers: Orphanet 30924, MedGen C1865974, MONDO:0011176, OMIM 602014.

Allele frequency attached by ClinVar (database versions not stated): gnomAD 0.00002 and 0.00013; TOPMed 0.00003; gnomAD exomes 0.00035; ExAC 0.00039; 1000 Genomes Project 30x 0.00062; 1000 Genomes Project 0.00080.
gnomAD v4.1: 256 of 1,614,120 alleles (0.016%); highest among the groups gnomAD compares: South Asian, 0.26%; 2 homozygotes.

Submissions (3):

Labcorp Genetics (formerly Invitae), Labcorp
Classification: Likely benign. Last evaluated: 2025-08-19. Review status: criteria provided, single submitter. Criteria: Invitae Variant Classification Sherloc (09022015). Collection method: clinical testing. Allele origin: germline.

GeneDx
Classification: Uncertain significance. Last evaluated: 2019-10-22. Review status: criteria provided, single submitter. Criteria: GeneDx Variant Classification Process June 2021. Collection method: clinical testing. Allele origin: germline. Affected: yes.
Comment: In silico analysis, which includes protein predictors and evolutionary conservation, supports a deleterious effect; Has not been previously published as pathogenic or benign to our knowledge

Illumina Laboratory Services, Illumina
Classification: Uncertain significance for Intestinal hypomagnesemia 1. Last evaluated: 2017-04-27. Review status: criteria provided, single submitter. Criteria: ICSL Variant Classification Criteria 13 December 2019. Collection method: clinical testing. Allele origin: germline.